The following is an entry in ClinVar:

NM_020436.5(SALL4):c.446C>T (p.Ala149Val)

Gene: SALL4 (spalt like transcription factor 4; minus strand). Cytogenetic location: 20q13.2.
Variant type: single nucleotide variant.
Coding change: c.446C>T on transcript NM_020436.5 (MANE Select); coding-DNA position 446, C replaced by T.
Protein change: p.Ala149Val; replaces alanine 149 with valine.
Molecular consequence: missense variant.
Genome position (GRCh38, 1-based): chr20:51,792,037, G>A on the plus strand (C>T on the coding strand, the complement: SALL4 is on the minus strand). VCF-style: chr20-51792037-G-A. GRCh37 (hg19) VCF-style: chr20-50408576-G-A.
Other names: c.446C>T, p.Ala149Val (NM_001318031.2); short protein forms A149V.
Identifiers: ClinVar variation 3587394 (VCV003587394.2).

ClinVar aggregate classification (germline): Uncertain significance. Review status: criteria provided, multiple submitters, no conflicts (2 of 4 stars). 2 submissions from 2 submitters: Uncertain significance (2). Last evaluated 2025-04-30.

Conditions:
Duane-radial ray syndrome (DRRS). Also called: ACRORENOOCULAR SYNDROME; DR SYNDROME; DUANE ANOMALY WITH RADIAL RAY ABNORMALITIES AND DEAFNESS; Duane-Radial Ray Syndrome (DRRS) / Okihiro Syndrome; Okihiro Syndrome; Duane-Radial Ray Syndrome/Okihiro Syndrome. Identifiers: Orphanet 93293, Orphanet 959, MedGen C1623209, MONDO:0011812, OMIM 607323. Disease mechanism: gain of function.
Oculootoradial syndrome (IVIC). Also called: RADIAL RAY DEFECTS, HEARING IMPAIRMENT, EXTERNAL OPHTHALMOPLEGIA, AND THROMBOCYTOPENIA; IVIC syndrome. Identifiers: Orphanet 2307, MedGen C1327918, MONDO:0007836, OMIM 147750.

gnomAD v4.1: 15 of 1,614,098 alleles (0.00093%); highest among the groups gnomAD compares: East Asian, 0.0022%; no homozygotes.

Submissions (2):

Labcorp Genetics (formerly Invitae), Labcorp
Classification: Uncertain significance for Duane-radial ray syndrome. Last evaluated: 2025-04-30. Review status: criteria provided, single submitter. Criteria: Invitae Variant Classification Sherloc (09022015). Collection method: clinical testing. Allele origin: germline.
Comment: This sequence change replaces alanine, which is neutral and non-polar, with valine, which is neutral and non-polar, at codon 149 of the SALL4 protein (p.Ala149Val). This variant is present in population databases (rs371371697, gnomAD 0.01%). This variant has not been reported in the literature in individuals affected with SALL4-related conditions. ClinVar contains an entry for this variant (Variation ID: 3587394). An algorithm developed to predict the effect of missense changes on protein structure and function outputs the following: PolyPhen-2: "Benign". The valine amino acid residue is found in multiple mammalian species, which suggests that this missense change does not adversely affect protein function. In summary, the available evidence is currently insufficient to determine the role of this variant in disease. Therefore, it has been classified as a Variant of Uncertain Significance.

Fulgent Genetics
Classification: Uncertain significance for Oculootoradial syndrome; Duane-radial ray syndrome. Last evaluated: 2024-06-03. Review status: criteria provided, single submitter. Criteria: ACMG Guidelines, 2015. Collection method: clinical testing. Allele origin: germline.